The following is an entry in ClinVar:

ClinVar aggregate classification (germline): Uncertain significance (1 of 4 stars; one submission).

Conditions:
Autosomal dominant polycystic kidney disease. Identifiers: Orphanet 730, MedGen C0085413, MONDO:0004691.

gnomAD v4.1: 2 of 1,182,388 alleles (0.00017%); highest among the groups gnomAD compares: Non-Finnish European, 0.00021%; no homozygotes.

Submission:

Labcorp Genetics (formerly Invitae), Labcorp
Classification: Uncertain significance for Autosomal dominant polycystic kidney disease. Last evaluated: 2025-11-16. Review status: criteria provided, single submitter. Criteria: Invitae Variant Classification Sherloc (09022015). Collection method: clinical testing. Allele origin: germline.
Comment: This sequence change replaces glycine, which is neutral and non-polar, with glutamic acid, which is acidic and polar, at codon 13 of the PKD2 protein (p.Gly13Glu). This variant is not present in population databases (gnomAD no frequency). This variant has not been reported in the literature in individuals affected with PKD2-related conditions. An algorithm developed to predict the effect of missense changes on protein structure and function (PolyPhen-2) suggests that this variant is likely to be disruptive. In summary, the available evidence is currently insufficient to determine the role of this variant in disease. Therefore, it has been classified as a Variant of Uncertain Significance.

NM_000297.4(PKD2):c.38G>A (p.Gly13Glu)

Genes: PKD2 (polycystin 2, transient receptor potential cation channel; plus strand), LOC129992813 (ATAC-STARR-seq lymphoblastoid silent region 15559; plus strand). Cytogenetic location: 4q22.1.
Variant type: single nucleotide variant.
Coding change: c.38G>A on transcript NM_000297.4 (MANE Select); coding-DNA position 38, G replaced by A.
Protein change: p.Gly13Glu; replaces glycine 13 with glutamic acid.
Molecular consequence: missense variant. On other transcripts: non-coding transcript variant (1).
Genome position (GRCh38, 1-based): chr4:88,007,771, G>A. VCF-style: chr4-88007771-G-A. GRCh37 (hg19) VCF-style: chr4-88928923-G-A.
Other names: c.38G>A, p.Gly13Glu (NM_001440544.1); short protein forms G13E.
Identifiers: ClinVar variation 4703771 (VCV004703771.1).